The following is an entry in ClinVar:

ClinVar aggregate classification (germline): Uncertain significance (1 of 4 stars; one submission).

Conditions:
Charcot-Marie-Tooth disease axonal type 2V. Also called: CHARCOT-MARIE-TOOTH NEUROPATHY, TYPE 2V; CHARCOT-MARIE-TOOTH DISEASE, AXONAL, AUTOSOMAL DOMINANT, TYPE 2V. Identifiers: Orphanet 447964, MedGen C5569050, MONDO:0014665, OMIM 616491.
Mucopolysaccharidosis, MPS-III-B (MPS3B). Also called: N-ACETYL-ALPHA-D-GLUCOSAMINIDASE DEFICIENCY; NAGLU DEFICIENCY; SANFILIPPO SYNDROME B; MPS III B; MUCOPOLYSACCHARIDOSIS, TYPE IIIB; Mucopolysaccharidosis type IIIB (Sanfilippo B). Identifiers: Orphanet 79270, MedGen C0086648, MONDO:0009656, OMIM 252920.

gnomAD v4.1: 2 of 1,249,796 alleles (0.00016%); highest among the groups gnomAD compares: Non-Finnish European, 0.0002%; no homozygotes.

Submission:

Labcorp Genetics (formerly Invitae), Labcorp
Classification: Uncertain significance for Charcot-Marie-Tooth disease axonal type 2V; Mucopolysaccharidosis, MPS-III-B. Last evaluated: 2022-03-04. Review status: criteria provided, single submitter. Criteria: Invitae Variant Classification Sherloc (09022015). Collection method: clinical testing. Allele origin: germline.
Comment: In summary, the available evidence is currently insufficient to determine the role of this variant in disease. Therefore, it has been classified as a Variant of Uncertain Significance. Advanced modeling of protein sequence and biophysical properties (such as structural, functional, and spatial information, amino acid conservation, physicochemical variation, residue mobility, and thermodynamic stability) performed at Invitae indicates that this missense variant is not expected to disrupt NAGLU protein function. This variant has not been reported in the literature in individuals affected with NAGLU-related conditions. This variant is not present in population databases (gnomAD no frequency). This sequence change replaces valine, which is neutral and non-polar, with leucine, which is neutral and non-polar, at codon 50 of the NAGLU protein (p.Val50Leu).

NM_000263.4(NAGLU):c.148G>C (p.Val50Leu)

Genes: NAGLU (N-acetyl-alpha-glucosaminidase; plus strand), LOC130060903 (ATAC-STARR-seq lymphoblastoid silent region 8533; plus strand). Cytogenetic location: 17q21.2.
Variant type: single nucleotide variant.
Coding change: c.148G>C on transcript NM_000263.4 (MANE Select); coding-DNA position 148, G replaced by C.
Protein change: p.Val50Leu; replaces valine 50 with leucine.
Molecular consequence: missense variant.
Genome position (GRCh38, 1-based): chr17:42,536,420, G>C. VCF-style: chr17-42536420-G-C. GRCh37 (hg19) VCF-style: chr17-40688438-G-C.
Other names: short protein forms V50L.
Identifiers: ClinVar variation 2189594 (VCV002189594.4), dbSNP rs2510649976, ClinGen allele CA399595423.